The following is an entry in ClinVar:

NM_001267727.2(ARSG):c.982+1G>C

Gene: ARSG (arylsulfatase G; plus strand). Cytogenetic location: 17q24.2.
Variant type: single nucleotide variant.
Coding change: c.982+1G>C on transcript NM_001267727.2 (MANE Select); the canonical splice donor site of the intron after coding-DNA position 982, G replaced by C.
Molecular consequence: splice donor variant.
Genome position (GRCh38, 1-based): chr17:68,370,525, G>C. VCF-style: chr17-68370525-G-C. GRCh37 (hg19) VCF-style: chr17-66366666-G-C.
Other names: c.979+1G>C (NM_001352904.2, NM_001352903.2, NM_001352905.2 and 2 more transcripts); c.982+1G>C (NM_014960.5, NM_001352910.2, NM_001352899.2 and 3 more transcripts); c.934+1G>C (NM_001352909.2).
Identifiers: ClinVar variation 1705705 (VCV001705705.1), dbSNP rs1302913513, ClinGen allele CA400746923.

ClinVar aggregate classification (germline): Likely pathogenic (1 of 4 stars; one submission).

Conditions:
Usher syndrome, type 4. Also called: USHER SYNDROME, TYPE IV. Identifiers: MedGen C4748364, MONDO:0029141, OMIM 618144.

Allele frequency attached by ClinVar (database versions not stated): gnomAD exomes below 0.00001.
gnomAD v4.1: 1 of 1,613,728 alleles (0.000062%); highest among the groups gnomAD compares: East Asian, 0.0022%; no homozygotes.

Submission:

3billion
Classification: Likely pathogenic for Usher syndrome, type 4. Last evaluated: 2022-09-01. Review status: criteria provided, single submitter. Criteria: ACMG Guidelines, 2015. Collection method: clinical testing. Allele origin: germline. Affected: yes. Observed: 1 heterozygote.
Comment: The variant is observed at an extremely low frequency in the gnomAD v2.1.1 dataset (total allele frequency: <0.001%). Canonical splice site is predicted to alter splicing and result in a loss or disruption of normal protein function. Multiple pathogenic loss-of-function variants are reported downstream of the variant. Therefore, this variant is classified as Likely pathogenic according to the recommendation of ACMG/AMP guideline.